The following is an entry in ClinVar:

NM_000483.5(APOC2):c.77C>A (p.Pro26His)

Genes: APOC2 (apolipoprotein C2; plus strand), APOC4-APOC2 (APOC4-APOC2 readthrough (NMD candidate); plus strand). Cytogenetic location: 19q13.32.
Variant type: single nucleotide variant.
Coding change: c.77C>A on transcript NM_000483.5 (MANE Select); coding-DNA position 77, C replaced by A.
Protein change: p.Pro26His; replaces proline 26 with histidine.
Molecular consequence: missense variant. On other transcripts: non-coding transcript variant (1).
Genome position (GRCh38, 1-based): chr19:44,948,722, C>A. VCF-style: chr19-44948722-C-A. GRCh37 (hg19) VCF-style: chr19-45451979-C-A.
Other names: short protein forms P26H.
Identifiers: ClinVar variation 4862951 (VCV004862951.1).
Genomic context (GRCh38, chr19:44,948,722, plus strand): 5'-CAGCCCCACGGGCTCTCCTGACACACTCTCCCCCTGCAGAGGTCCAGGGGACCCAACAGC[C>A]CCAGCAAGATGAGATGCCTAGCCCGACCTTCCTCACCCAGGTGAAGGAATCTCTCTCCAG-3'
Protein context (NP_000474.2, residues 16-36): LGFEVQGTQQ[Pro26His]QQDEMPSPTF

ClinVar aggregate classification (germline): Uncertain significance (1 of 4 stars; one submission).

Conditions:
Cardiovascular phenotype. Identifiers: MedGen CN230736.

gnomAD v4.1: 1 of 1,614,134 alleles (0.000062%); highest among the groups gnomAD compares: Admixed American, 0.0017%; no homozygotes.

Submission:

Ambry Genetics
Classification: Uncertain significance for Cardiovascular phenotype. Last evaluated: 2026-03-29. Review status: criteria provided, single submitter. Criteria: Ambry Variant Classification Scheme 2023. Collection method: clinical testing. Allele origin: germline.
Comment: The p.P26H variant (also known as c.77C>A), located in coding exon 2 of the APOC2 gene, results from a C to A substitution at nucleotide position 77. The proline at codon 26 is replaced by histidine, an amino acid with similar properties. This amino acid position is conserved. In addition, this alteration is predicted to be tolerated by in silico analysis. Based on the available evidence, the clinical significance of this variant remains unclear.